The following is an entry in ClinVar:

ClinVar aggregate classification (germline): Uncertain significance (1 of 4 stars; one submission).

Conditions:
NRXN2-related disorder. Also called: NRXN2-related condition.

gnomAD v4.1: 2 of 1,614,170 alleles (0.00012%); highest among the groups gnomAD compares: Non-Finnish European, 0.000085%; no homozygotes.

Submission:

PreventionGenetics, part of Exact Sciences
Classification: Uncertain significance for NRXN2-related condition. Last evaluated: 2025-08-02. Review status: criteria provided, single submitter. Criteria: ACMG Guidelines, 2015. Collection method: clinical testing. Allele origin: germline.
Comment: The NRXN2 c.2884G>A variant is predicted to result in the amino acid substitution p.Gly962Ser. To our knowledge, this variant has not been reported in the literature or in a large population database (gnomAD), indicating this variant is rare. At this time, the clinical significance of this variant is uncertain due to the absence of conclusive functional and genetic evidence.

NM_015080.4(NRXN2):c.2884G>A (p.Gly962Ser)

Gene: NRXN2 (neurexin 2; minus strand). Cytogenetic location: 11q13.1.
Variant type: single nucleotide variant.
Coding change: c.2884G>A on transcript NM_015080.4 (MANE Select); coding-DNA position 2884, G replaced by A.
Protein change: p.Gly962Ser; replaces glycine 962 with serine.
Molecular consequence: missense variant.
Genome position (GRCh38, 1-based): chr11:64,651,289, C>T on the plus strand (G>A on the coding strand, the complement: NRXN2 is on the minus strand). VCF-style: chr11-64651289-C-T. GRCh37 (hg19) VCF-style: chr11-64418761-C-T.
Other names: c.2884G>A, p.Gly962Ser (NM_001376262.1); c.2863G>A, p.Gly955Ser (NM_001376263.1, NM_001376267.1); c.2839G>A, p.Gly947Ser (NM_001376265.1); c.2860G>A, p.Gly954Ser (NM_001376266.1); c.2764G>A, p.Gly922Ser (NM_138732.3); short protein forms G922S, G947S, G962S, G954S, G955S.
Identifiers: ClinVar variation 4985652 (VCV004985652.1).
Genomic context (GRCh38, chr11:64,651,289, plus strand): 5'-CAGCAGTGCAATCCCCAGCCCCTCACCCCTTGACCAGCTCGATGACAATGAAGTCATTGC[C>T]GTTGCCCGAGTTGAACAGAAGAAGCCCATCAGGGGCCGTGGTCTTGAACTGGAAGAAGAG-3'
Protein context (NP_055895.1, residues 952-972): DGLLLFNSGN[Gly962Ser]NDFIVIELVK